The following is an entry in ClinVar:

ClinVar aggregate classification (germline): Uncertain significance (1 of 4 stars; one submission).

Conditions:
Chédiak-Higashi syndrome (CHS). Also called: Chediak-Higashi Syndrome. Identifiers: Orphanet 167, MedGen C0007965, MONDO:0008963, OMIM 214500.

Allele frequency attached by ClinVar (database versions not stated): gnomAD exomes 0.00002; ExAC 0.00003.
gnomAD v4.1: 26 of 1,613,914 alleles (0.0016%); highest among the groups gnomAD compares: East Asian, 0.013%; no homozygotes.

Submission:

Labcorp Genetics (formerly Invitae), Labcorp
Classification: Uncertain significance for Chédiak-Higashi syndrome. Last evaluated: 2026-01-24. Review status: criteria provided, single submitter. Criteria: Invitae Variant Classification Sherloc (09022015). Collection method: clinical testing. Allele origin: germline.
Comment: This sequence change replaces arginine, which is basic and polar, with cysteine, which is neutral and slightly polar, at codon 395 of the LYST protein (p.Arg395Cys). This variant is present in population databases (rs752192687, gnomAD 0.03%). This variant has not been reported in the literature in individuals affected with LYST-related conditions. ClinVar contains an entry for this variant (Variation ID: 2056345). Invitae Evidence Modeling of protein sequence and biophysical properties (such as structural, functional, and spatial information, amino acid conservation, physicochemical variation, residue mobility, and thermodynamic stability) indicates that this missense variant is not expected to disrupt LYST protein function with a negative predictive value of 80%. In summary, the available evidence is currently insufficient to determine the role of this variant in disease. Therefore, it has been classified as a Variant of Uncertain Significance.

NM_000081.4(LYST):c.1183C>T (p.Arg395Cys)

Gene: LYST (lysosomal trafficking regulator; minus strand). Cytogenetic location: 1q42.3.
Variant type: single nucleotide variant.
Coding change: c.1183C>T on transcript NM_000081.4 (MANE Select); coding-DNA position 1183, C replaced by T.
Protein change: p.Arg395Cys; replaces arginine 395 with cysteine.
Molecular consequence: missense variant.
Genome position (GRCh38, 1-based): chr1:235,809,635, G>A on the plus strand (C>T on the coding strand, the complement: LYST is on the minus strand). VCF-style: chr1-235809635-G-A. GRCh37 (hg19) VCF-style: chr1-235972935-G-A.
Other names: c.1183C>T, p.Arg395Cys (NM_001301365.1); short protein forms R395C.
Identifiers: ClinVar variation 2056345 (VCV002056345.3), dbSNP rs752192687, ClinGen allele CA1467500.